The following is an entry in ClinVar:

ClinVar aggregate classification (germline): Uncertain significance (1 of 4 stars; one submission).

Submission:

Labcorp Genetics (formerly Invitae), Labcorp
Classification: Uncertain significance. Last evaluated: 2022-09-14. Review status: criteria provided, single submitter. Criteria: Invitae Variant Classification Sherloc (09022015). Collection method: clinical testing. Allele origin: germline.
Comment: This sequence change replaces arginine, which is basic and polar, with glycine, which is neutral and non-polar, at codon 1089 of the AMER1 protein (p.Arg1089Gly). This variant is not present in population databases (gnomAD no frequency). This variant has not been reported in the literature in individuals affected with AMER1-related conditions. Algorithms developed to predict the effect of missense changes on protein structure and function are either unavailable or do not agree on the potential impact of this missense change (SIFT: "Deleterious"; PolyPhen-2: "Benign"; Align-GVGD: "Class C0"). In summary, the available evidence is currently insufficient to determine the role of this variant in disease. Therefore, it has been classified as a Variant of Uncertain Significance.

NM_152424.4(AMER1):c.3265A>G (p.Arg1089Gly)

Gene: AMER1 (APC membrane recruitment protein 1; minus strand). Cytogenetic location: Xq11.2.
Variant type: single nucleotide variant.
Coding change: c.3265A>G on transcript NM_152424.4 (MANE Select); coding-DNA position 3265, A replaced by G.
Protein change: p.Arg1089Gly; replaces arginine 1089 with glycine.
Molecular consequence: missense variant.
Genome position (GRCh38, 1-based): chrX:64,190,022, T>C on the plus strand (A>G on the coding strand, the complement: AMER1 is on the minus strand). VCF-style: chrX-64190022-T-C. GRCh37 (hg19) VCF-style: chrX-63409902-T-C.
Other names: short protein forms R1089G.
Identifiers: ClinVar variation 2415802 (VCV002415802.6), dbSNP rs2521198417, ClinGen allele CA413301172.